The following is an entry in ClinVar:

ClinVar aggregate classification (germline): Pathogenic/Likely pathogenic. Review status: criteria provided, multiple submitters, no conflicts (2 of 4 stars). 3 submissions from 3 submitters: Pathogenic (2); Likely pathogenic (1). Last evaluated 2024-05-14.

Conditions:
Congenital microcephaly - severe encephalopathy - progressive cerebral atrophy syndrome. Also called: ASNS DEFICIENCY; Asparagine synthetase deficiency. Identifiers: Orphanet 391376, MedGen C3809971, MONDO:0014258, OMIM 615574.

Submissions (3):

Myriad Genetics, Inc.
Classification: Pathogenic for Congenital microcephaly - severe encephalopathy - progressive cerebral atrophy syndrome. Last evaluated: 2024-05-14. Review status: criteria provided, single submitter. Criteria: Myriad Autosomal Dominant, Autosomal Recessive and X-Linked Classification Criteria (2023). Collection method: clinical testing. Allele origin: unknown.
Comment: NM_001673.4(ASNS):c.540delT(L181Ffs*10) is expected to be pathogenic in the context of asparagine synthetase deficiency. This variant is predicted to lead to an abnormal or absent protein product due to the creation of a premature termination codon in ASNS, a gene where loss-of-function variants are known to be pathogenic. Please note: this variant was assessed in the context of healthy population screening.

Labcorp Genetics (formerly Invitae), Labcorp
Classification: Pathogenic. Last evaluated: 2024-04-21. Review status: criteria provided, single submitter. Criteria: Invitae Variant Classification Sherloc (09022015). Collection method: clinical testing. Allele origin: germline.
Comment: This sequence change creates a premature translational stop signal (p.Leu181Phefs*10) in the ASNS gene. It is expected to result in an absent or disrupted protein product. Loss-of-function variants in ASNS are known to be pathogenic (PMID: 27422383, 30057589). This variant is present in population databases (no rsID available, gnomAD 0.007%). This variant has not been reported in the literature in individuals affected with ASNS-related conditions. ClinVar contains an entry for this variant (Variation ID: 1441113). For these reasons, this variant has been classified as Pathogenic.

Women's Health and Genetics/Laboratory Corporation of America, LabCorp
Classification: Likely pathogenic for Congenital microcephaly - severe encephalopathy - progressive cerebral atrophy syndrome. Last evaluated: 2022-10-19. Review status: criteria provided, single submitter. Criteria: LabCorp Variant Classification Summary - May 2015. Collection method: clinical testing. Allele origin: germline.
Comment: Variant summary: ASNS c.540delT (p.Leu181PhefsX10) results in a premature termination codon, predicted to cause a truncation of the encoded protein or absence of the protein due to nonsense mediated decay, which are commonly known mechanisms for disease. A truncation downstream of this position has been classified as likely pathogenic by our laboratory, and others are classified as pathogenic in ClinVar. The variant allele was found at a frequency of 4e-06 in 250990 control chromosomes. To our knowledge, no occurrence of c.540delT in individuals affected with Asparagine Synthetase Deficiency and no experimental evidence demonstrating its impact on protein function have been reported. One clinical diagnostic laboratory has submitted clinical-significance assessments for this variant to ClinVar after 2014 without evidence for independent evaluation, classifying the variant as pathogenic. Based on the evidence outlined above, the variant was classified as likely pathogenic.

Literature cited by the submitters: PubMed 27422383 (cited by Labcorp Genetics (formerly Invitae), Labcorp); PubMed 30057589 (cited by Labcorp Genetics (formerly Invitae), Labcorp).

NM_001673.5(ASNS):c.540del (p.Leu181fs)

Genes: ASNS (asparagine synthetase (glutamine-hydrolyzing); minus strand), CZ1P-ASNS (CZ1P-ASNS readthrough; minus strand). Cytogenetic location: 7q21.3.
Variant type: Deletion.
Coding change: c.540del on transcript NM_001673.5 (MANE Select); coding-DNA position 540, one base deleted (T; older notation c.540delT).
Protein change: p.Leu181fs; shifts the reading frame from leucine 181.
Molecular consequence: frameshift variant. On other transcripts: non-coding transcript variant (1).
Genome position (GRCh38, 1-based): chr7:97,859,346, A deleted on the plus strand (T on the coding strand, the reverse complement: ASNS is on the minus strand); the first of 4 consecutive A bases (chr7:97,859,346-97,859,349); deleting any one gives the same sequence. VCF-style (leftmost placement, unchanged base first): chr7-97859345-GA-G. GRCh37 (hg19) VCF-style: chr7-97488657-GA-G.
Other names: c.477del, p.Leu160fs (NM_001178075.2); c.291del, p.Leu98fs (NM_001178076.2, NM_001178077.1); c.540del, p.Leu181fs (NM_001352496.2, NM_133436.3, NM_183356.4); c.540delT (NM_133436.3); short protein forms L160fs, L181fs, L98fs.
Identifiers: ClinVar variation 1441113 (VCV001441113.8), dbSNP rs866033169, ClinGen allele CA163031086.
Genomic context (GRCh38, chr7:97,859,345, plus strand): 5'-TTTCCACGGATGCAACTTTGCCATTTGGCTTTAAATCCAAAACTTCATAGTGTCCAGGAA[GA>G]AAAGGCTCCACTTTTAAAAAGGGAGTCGCGGAGTGCTTCAATGTAACAAGACCTAGAAAT-3'